The following is an entry in ClinVar:

NM_000465.4(BARD1):c.364+3A>C

Gene: BARD1 (BRCA1 associated RING domain 1; minus strand). Cytogenetic location: 2q35.
Variant type: single nucleotide variant.
Coding change: c.364+3A>C on transcript NM_000465.4 (MANE Select); 3 bases into the intron after coding-DNA position 364, A replaced by C.
Molecular consequence: intron variant.
Genome position (GRCh38, 1-based): chr2:214,792,294, T>G on the plus strand (A>C on the coding strand, the complement: BARD1 is on the minus strand). VCF-style: chr2-214792294-T-G. GRCh37 (hg19) VCF-style: chr2-215657018-T-G.
Other names: c.158+17118A>C (NM_001282548.2); c.307+3A>C (NM_001282543.2); c.215+4767A>C (NM_001282545.2); c.364+3A>C (NM_001282549.2).
Identifiers: ClinVar variation 1733508 (VCV001733508.2), dbSNP rs1695552690, ClinGen allele CA2580065593.

ClinVar aggregate classification (germline): Uncertain significance (1 of 4 stars; one submission).

Conditions:
Hereditary cancer-predisposing syndrome. Also called: Neoplastic Syndromes, Hereditary; Tumor predisposition; Hereditary Cancer Syndrome; Hereditary neoplastic syndrome. Identifiers: Orphanet 140162, MedGen C0027672, MeSH D009386, MONDO:0015356.

Submission:

Ambry Genetics
Classification: Uncertain significance for Hereditary cancer-predisposing syndrome. Last evaluated: 2021-06-28. Review status: criteria provided, single submitter. Criteria: Ambry Variant Classification Scheme 2023. Collection method: clinical testing. Allele origin: germline.
Comment: The c.364+3A>C intronic variant results from an A to C substitution 3 nucleotides after coding exon 3 in the BARD1 gene. This nucleotide position is poorly conserved in available vertebrate species. In silico splice site analysis predicts that this alteration may weaken the native splice donor site. Since supporting evidence is limited at this time, the clinical significance of this alteration remains unclear.